The following is an entry in ClinVar:

NM_024422.6(DSC2):c.94T>A (p.Cys32Ser)

Gene: DSC2 (desmocollin 2; minus strand). Cytogenetic location: 18q12.1.
Variant type: single nucleotide variant.
Coding change: c.94T>A on transcript NM_024422.6 (MANE Select); coding-DNA position 94, T replaced by A.
Protein change: p.Cys32Ser; replaces cysteine 32 with serine.
Molecular consequence: missense variant. On other transcripts: 5 prime UTR variant (2).
Genome position (GRCh38, 1-based): chr18:31,093,619, A>T on the plus strand (T>A on the coding strand, the complement: DSC2 is on the minus strand). VCF-style: chr18-31093619-A-T. GRCh37 (hg19) VCF-style: chr18-28673582-A-T.
Other names: c.-336T>A (NM_001406506.1, NM_001406507.1); c.94T>A, p.Cys32Ser (NM_004949.5); short protein forms C32S.
Identifiers: ClinVar variation 3655996 (VCV003655996.2).
Genomic context (GRCh38, chr18:31,093,619, plus strand): 5'-CTCTACCAACAAGTTTCTCGGCATCTAGTTTGGAGGGAACATGTAATGTCACATTTTTGC[A>T]GGCATCACTGGCAAATATTAAGATCTAAAAAATGAAAAAAAATCAAATAAATATTATGCA-3'
Protein context (NP_077740.1, residues 22-42): LAILIFASDA[Cys32Ser]KNVTLHVPSK

ClinVar aggregate classification (germline): Uncertain significance (1 of 4 stars; one submission).

Conditions:
Arrhythmogenic right ventricular dysplasia 11. Also called: ARRHYTHMOGENIC RIGHT VENTRICULAR DYSPLASIA, FAMILIAL, 11; Arrhythmogenic Right Ventricular Dysplasia/Cardiomyopathy11; Arrhythmogenic right ventricular dysplasia 11 with mild palmoplantar keratoderma and woolly hair. Identifiers: MedGen C1864850, MONDO:0012506, OMIM 610476.

Submission:

Labcorp Genetics (formerly Invitae), Labcorp
Classification: Uncertain significance for Arrhythmogenic right ventricular dysplasia 11. Last evaluated: 2025-04-17. Review status: criteria provided, single submitter. Criteria: Invitae Variant Classification Sherloc (09022015). Collection method: clinical testing. Allele origin: germline.
Comment: This sequence change replaces cysteine, which is neutral and slightly polar, with serine, which is neutral and polar, at codon 32 of the DSC2 protein (p.Cys32Ser). This variant is not present in population databases (gnomAD no frequency). This variant has not been reported in the literature in individuals affected with DSC2-related conditions. ClinVar contains an entry for this variant (Variation ID: 3655996). Invitae Evidence Modeling of protein sequence and biophysical properties (such as structural, functional, and spatial information, amino acid conservation, physicochemical variation, residue mobility, and thermodynamic stability) has been performed for this missense variant. However, the output from this modeling did not meet the statistical confidence thresholds required to predict the impact of this variant on DSC2 protein function. In summary, the available evidence is currently insufficient to determine the role of this variant in disease. Therefore, it has been classified as a Variant of Uncertain Significance.